The following is an entry in ClinVar:

NM_004036.5(ADCY3):c.3065C>T (p.Ala1022Val)

Genes: ADCY3 (adenylate cyclase 3; minus strand), CENPO (centromere protein O; plus strand). Cytogenetic location: 2p23.3.
Variant type: single nucleotide variant.
Coding change: c.3065C>T on transcript NM_004036.5 (MANE Select); coding-DNA position 3065, C replaced by T.
Protein change: p.Ala1022Val; replaces alanine 1022 with valine.
Molecular consequence: missense variant. On other transcripts: 3 prime UTR variant (3), non-coding transcript variant (3).
Genome position (GRCh38, 1-based): chr2:24,821,579, G>A on the plus strand (C>T on the coding strand, the complement: ADCY3 is on the minus strand). VCF-style: chr2-24821579-G-A. GRCh37 (hg19) VCF-style: chr2-25044448-G-A.
Other names: c.3068C>T, p.Ala1023Val (NM_001320613.2); c.3131C>T, p.Ala1044Val (NM_001377128.1); c.2927C>T, p.Ala976Val (NM_001377129.1); c.2513C>T, p.Ala838Val (NM_001377130.1); c.2342C>T, p.Ala781Val (NM_001377131.1); c.3065C>T, p.Ala1022Val (NM_001377132.1); c.*2261G>A (NM_001199803.3, NM_001322101.2, NM_024322.4); short protein forms A1044V, A838V, A976V, A1022V, A781V, A1023V.
Identifiers: ClinVar variation 4996721 (VCV004996721.1).

ClinVar aggregate classification (germline): Uncertain significance (1 of 4 stars; one submission).

Conditions:
ADCY3-related disorder. Also called: ADCY3-related condition.

gnomAD v4.1: 1 of 1,614,026 alleles (0.000062%); highest among the groups gnomAD compares: African/African-American, 0.0013%; no homozygotes.

Submission:

PreventionGenetics, part of Exact Sciences
Classification: Uncertain significance for ADCY3-related condition. Last evaluated: 2024-12-02. Review status: criteria provided, single submitter. Criteria: ACMG Guidelines, 2015. Collection method: clinical testing. Allele origin: germline.
Comment: The ADCY3 c.3068C>T variant is predicted to result in the amino acid substitution p.Ala1023Val. To our knowledge, this variant has not been reported in the literature or in a large population database (gnomAD), indicating this variant is rare. At this time, the clinical significance of this variant is uncertain due to the absence of conclusive functional and genetic evidence.